The following is an entry in ClinVar:

NM_018010.4(IFT57):c.844A>T (p.Thr282Ser)

Gene: IFT57 (intraflagellar transport 57; minus strand). Cytogenetic location: 3q13.12.
Variant type: single nucleotide variant.
Coding change: c.844A>T on transcript NM_018010.4 (MANE Select); coding-DNA position 844, A replaced by T.
Protein change: p.Thr282Ser; replaces threonine 282 with serine.
Molecular consequence: missense variant.
Genome position (GRCh38, 1-based): chr3:108,167,798, T>A on the plus strand (A>T on the coding strand, the complement: IFT57 is on the minus strand). VCF-style: chr3-108167798-T-A. GRCh37 (hg19) VCF-style: chr3-107886645-T-A.
Other names: short protein forms T282S.
Identifiers: ClinVar variation 1959130 (VCV001959130.5), dbSNP rs148126968, ClinGen allele CA80610591.
Genomic context (GRCh38, chr3:108,167,798, plus strand): 5'-AGGTGTTCCACAGATGAGTAAATGTACATTGATTCACGTAAAGTAATTCATATACCTTGG[T>A]CTCCTTTAGAGCAGATTCAATTCCACTTCTGTGCTGGTGCATTTGGTCAACATGGATTCT-3'
Protein context (NP_060480.1, residues 272-292): RSGIESALKE[Thr282Ser]KGFLDKLHNE

ClinVar aggregate classification (germline): Uncertain significance (1 of 4 stars; one submission).

Allele frequency attached by ClinVar (database versions not stated): gnomAD 0.00001; TOPMed 0.00001; ESP Exome Variant Server 0.00008.
gnomAD v4.1: 4 of 1,564,940 alleles (0.00026%); highest among the groups gnomAD compares: African/African-American, 0.0041%; no homozygotes.

Submission:

Labcorp Genetics (formerly Invitae), Labcorp
Classification: Uncertain significance. Last evaluated: 2022-12-13. Review status: criteria provided, single submitter. Criteria: Invitae Variant Classification Sherloc (09022015). Collection method: clinical testing. Allele origin: germline.
Comment: In summary, the available evidence is currently insufficient to determine the role of this variant in disease. Therefore, it has been classified as a Variant of Uncertain Significance. Algorithms developed to predict the effect of missense changes on protein structure and function (SIFT, PolyPhen-2, Align-GVGD) all suggest that this variant is likely to be tolerated. This variant has not been reported in the literature in individuals affected with IFT57-related conditions. This variant is not present in population databases (gnomAD no frequency). This sequence change replaces threonine, which is neutral and polar, with serine, which is neutral and polar, at codon 282 of the IFT57 protein (p.Thr282Ser).